The following is an entry in ClinVar:

ClinVar aggregate classification (germline): Conflicting classifications of pathogenicity. Review status: criteria provided, conflicting classifications (1 of 4 stars). 12 submissions from 9 submitters: Uncertain significance (10); Likely benign (2). Last evaluated 2026-01-19.

Conditions:
Hypokalemic periodic paralysis, type 1. Also called: HypoPP; Hypokalemic Periodic Paralysis Type 1 (AD). Identifiers: Orphanet 681, MedGen C3714580, MONDO:0042979, OMIM 170400.
Malignant hyperthermia, susceptibility to, 5 (MHS5). Also called: CACNA1S-Related Malignant Hyperthermia Susceptibility. Identifiers: Orphanet 423, MedGen C1866077, MONDO:0011163, OMIM 601887.
Congenital myopathy 18. Also called: Myopathy, congenital, due to dihydropyridine receptor defect; DIHYDROPYRIDINE RECEPTOR CONGENITAL MYOPATHY; DHPR CONGENITAL MYOPATHY. Identifiers: MedGen C5830283, MONDO:0859514, OMIM 620246.
Thyrotoxic periodic paralysis, susceptibility to, 1 (TTPP1). Identifiers: Orphanet 79102, MedGen C2749982, MONDO:0008570, OMIM 188580.

Allele frequency attached by ClinVar (database versions not stated): ExAC 0.00008; ESP Exome Variant Server 0.00008; gnomAD exomes 0.00010 and 0.00016; gnomAD 0.00014 and 0.00015; TOPMed 0.00015.
gnomAD v4.1: 247 of 1,612,958 alleles (0.015%); highest among the groups gnomAD compares: Non-Finnish European, 0.019%; no homozygotes.

Submissions (12):

Labcorp Genetics (formerly Invitae), Labcorp
Classification: Uncertain significance for Hypokalemic periodic paralysis, type 1; Malignant hyperthermia, susceptibility to, 5. Last evaluated: 2026-01-19. Review status: criteria provided, single submitter. Criteria: Invitae Variant Classification Sherloc (09022015). Collection method: clinical testing. Allele origin: germline.
Comment: This sequence change replaces arginine, which is basic and polar, with glutamine, which is neutral and polar, at codon 1447 of the CACNA1S protein (p.Arg1447Gln). This variant is present in population databases (rs377474103, gnomAD 0.02%). This missense change has been observed in individual(s) with clinical features of CACNA1S-related conditions (PMID: 30325262, 37937776). ClinVar contains an entry for this variant (Variation ID: 541040). Invitae Evidence Modeling of protein sequence and biophysical properties (such as structural, functional, and spatial information, amino acid conservation, physicochemical variation, residue mobility, and thermodynamic stability) has been performed for this missense variant. However, the output from this modeling did not meet the statistical confidence thresholds required to predict the impact of this variant on CACNA1S protein function. In summary, the available evidence is currently insufficient to determine the role of this variant in disease. Therefore, it has been classified as a Variant of Uncertain Significance.

GeneDx
Classification: Uncertain significance. Last evaluated: 2025-08-02. Review status: criteria provided, single submitter. Criteria: GeneDx Variant Classification Process June 2021. Collection method: clinical testing. Allele origin: germline. Affected: yes.
Comment: In silico analysis supports that this missense variant has a deleterious effect on protein structure/function; Has not been previously published as pathogenic or benign in association with a CACNA1S-related disorder to our knowledge; In silico analysis suggests this variant may impact gene splicing. In the absence of RNA/functional studies, the actual effect of this sequence change is unknown.; This variant is associated with the following publications: (PMID: 31851124, 36833203, 30325262, 37937776)

Revvity Omics, Revvity
Classification: Uncertain significance. Last evaluated: 2024-12-03. Review status: criteria provided, single submitter. Criteria: ACMG Guidelines, 2015. Collection method: clinical testing. Allele origin: germline.

Blueprint Genetics
Classification: Likely benign. Last evaluated: 2024-11-25. Review status: criteria provided, single submitter. Criteria: ACMG Guidelines, 2015. Collection method: clinical testing. Allele origin: germline.

All of Us Research Program, National Institutes of Health
Classification: Uncertain significance for Malignant hyperthermia, susceptibility to, 5. Last evaluated: 2024-09-12. Review status: criteria provided, single submitter. Criteria: ACMG Guidelines, 2015. Collection method: clinical testing. Allele origin: germline. Inheritance: Autosomal dominant inheritance. Observed: 54 variant alleles, 54 heterozygotes.
Comment: This missense variant replaces arginine with glutamine at codon 1447 of the CACNA1S protein. Computational prediction is inconclusive regarding the impact of this variant on protein structure and function (internally defined REVEL score threshold 0.5 < inconclusive < 0.7, PMID: 27666373). To our knowledge, functional studies have not been reported for this variant. This variant has not been reported in individuals affected with autosomal dominant malignant hyperthermia in the literature, although it is associated with other phenotype(s) (ClinVar Variation ID: 541040, PMID: 30325262). This variant has been identified in 29/281472 chromosomes in the general population by the Genome Aggregation Database (gnomAD). The available evidence is insufficient to determine the role of this variant in disease conclusively. Therefore, this variant is classified as a Variant of Uncertain Significance.

This study involves interpretation of variants in research participants for the purpose of population health screening. Participant phenotype was not available at the time of variant classification. Additional details can be found in publication PMID: 35346344, PMCID: PMC8962531

Fulgent Genetics
Classification: Uncertain significance for Hypokalemic periodic paralysis, type 1; Thyrotoxic periodic paralysis, susceptibility to, 1; Malignant hyperthermia, susceptibility to, 5; Congenital myopathy 18. Last evaluated: 2024-05-29. Review status: criteria provided, single submitter. Criteria: ACMG Guidelines, 2015. Collection method: clinical testing. Allele origin: germline.

Color Diagnostics, LLC DBA Color Health
Classification: Uncertain significance for Malignant hyperthermia, susceptibility to, 5. Last evaluated: 2024-03-13. Review status: criteria provided, single submitter. Criteria: ACMG Guidelines, 2015. Collection method: clinical testing. Allele origin: germline.
Comment: This missense variant replaces arginine with glutamine at codon 1447 of the CACNA1S protein. Computational prediction is inconclusive regarding the impact of this variant on protein structure and function. To our knowledge, functional studies have not been reported for this variant. This variant has not been reported in individuals affected with autosomal dominant malignant hyperthermia in the literature, although it is associated with other phenotype(s) (ClinVar Variation ID: 541040, PMID: 30325262). This variant has been identified in 29/281472 chromosomes in the general population by the Genome Aggregation Database (gnomAD). The available evidence is insufficient to determine the role of this variant in disease conclusively. Therefore, this variant is classified as a Variant of Uncertain Significance.

Athena Diagnostics
Classification: Likely benign. Last evaluated: 2023-11-21. Review status: criteria provided, single submitter. Criteria: Athena Diagnostics Criteria. Collection method: clinical testing. Allele origin: unknown.

Genome-Nilou Lab
Classification: Uncertain significance for Malignant hyperthermia, susceptibility to, 5. Last evaluated: 2023-04-11. Review status: criteria provided, single submitter. Criteria: ACMG Guidelines, 2015. Collection method: clinical testing. Allele origin: germline. Affected: no.

Genome-Nilou Lab
Classification: Uncertain significance for Thyrotoxic periodic paralysis, susceptibility to, 1. Last evaluated: 2023-04-11. Review status: criteria provided, single submitter. Criteria: ACMG Guidelines, 2015. Collection method: clinical testing. Allele origin: germline. Affected: no.

Genome-Nilou Lab
Classification: Uncertain significance for Congenital myopathy 18. Last evaluated: 2023-04-11. Review status: criteria provided, single submitter. Criteria: ACMG Guidelines, 2015. Collection method: clinical testing. Allele origin: germline. Affected: no.

Genome-Nilou Lab
Classification: Uncertain significance for Hypokalemic periodic paralysis, type 1. Last evaluated: 2023-04-11. Review status: criteria provided, single submitter. Criteria: ACMG Guidelines, 2015. Collection method: clinical testing. Allele origin: germline. Affected: no.

Literature cited by the submitters: PubMed 30325262 (cited by 3 submitters); PubMed 37937776 (cited by Labcorp Genetics (formerly Invitae), Labcorp).

NM_000069.3(CACNA1S):c.4340G>A (p.Arg1447Gln)

Gene: CACNA1S (calcium voltage-gated channel subunit alpha1 S; minus strand). Cytogenetic location: 1q32.1.
Variant type: single nucleotide variant.
Coding change: c.4340G>A on transcript NM_000069.3 (MANE Select); coding-DNA position 4340, G replaced by A.
Protein change: p.Arg1447Gln; replaces arginine 1447 with glutamine.
Molecular consequence: missense variant.
Genome position (GRCh38, 1-based): chr1:201,048,683, C>T on the plus strand (G>A on the coding strand, the complement: CACNA1S is on the minus strand). VCF-style: chr1-201048683-C-T. GRCh37 (hg19) VCF-style: chr1-201017811-C-T.
Other names: short protein forms R1447Q.
Identifiers: ClinVar variation 541040 (VCV000541040.20), dbSNP rs377474103, ClinGen allele CA083251.